The following is an entry in ClinVar:

ClinVar aggregate classification (germline): Pathogenic (1 of 4 stars; one submission).

Conditions:
Bardet-Biedl syndrome (BBS). Identifiers: Orphanet 110, MedGen C0752166, MONDO:0015229.

Submission:

Labcorp Genetics (formerly Invitae), Labcorp
Classification: Pathogenic for Bardet-Biedl syndrome. Last evaluated: 2023-10-19. Review status: criteria provided, single submitter. Criteria: Invitae Variant Classification Sherloc (09022015). Collection method: clinical testing. Allele origin: germline.
Comment: This sequence change creates a premature translational stop signal (p.Asp215*) in the BBS10 gene. While this is not anticipated to result in nonsense mediated decay, it is expected to disrupt the last 509 amino acid(s) of the BBS10 protein. This variant is not present in population databases (gnomAD no frequency). This variant has not been reported in the literature in individuals affected with BBS10-related conditions. This variant disrupts a region of the BBS10 protein in which other variant(s) (p.Val707*) have been determined to be pathogenic (PMID: 20472660, 22773737, 25982971, 27486776). This suggests that this is a clinically significant region of the protein, and that variants that disrupt it are likely to be disease-causing. For these reasons, this variant has been classified as Pathogenic.

Literature cited by the submitters: PubMed 20472660; PubMed 22773737; PubMed 25982971; PubMed 27486776.

NM_024685.4(BBS10):c.643_655del (p.Val214_Asp215insTer)

Gene: BBS10 (Bardet-Biedl syndrome 10; minus strand). Cytogenetic location: 12q21.2.
Variant type: Deletion.
Coding change: c.643_655del on transcript NM_024685.4 (MANE Select); coding-DNA positions 643 to 655, 13 bases deleted (GATGACCATTTTG).
Protein change: p.Val214_Asp215insTer.
Molecular consequence: nonsense.
Genome position (GRCh38, 1-based): chr12:76,347,330-76,347,342, CAAAATGGTCATC deleted on the plus strand (GATGACCATTTTG on the coding strand, the reverse complement: BBS10 is on the minus strand); deleting any 13 consecutive bases within chr12:76,347,330-76,347,344 gives the same sequence; the c. name uses the placement nearest the transcript's 3' end. VCF-style (leftmost placement, unchanged base first): chr12-76347329-ACAAAATGGTCATC-A. GRCh37 (hg19) VCF-style: chr12-76741109-ACAAAATGGTCATC-A.
Identifiers: ClinVar variation 2719961 (VCV002719961.3), dbSNP rs1342204509, ClinGen allele CA691960681.